The following is an entry in ClinVar:

ClinVar aggregate classification (germline): Pathogenic/Likely pathogenic. Review status: criteria provided, multiple submitters, no conflicts (2 of 4 stars). 2 submissions from 2 submitters: Pathogenic (1); Likely pathogenic (1). Last evaluated 2021-09-22.

Conditions:
Tuberous sclerosis 1 (TSC1). Identifiers: Orphanet 805, MedGen C1854465, MONDO:0008612, OMIM 191100.
Isolated focal cortical dysplasia type II (FCORD2). Also called: Focal cortical dysplasia type II; CORTICAL DYSPLASIA OF TAYLOR. Identifiers: Orphanet 268994, MedGen C1846385, MONDO:0011818, OMIM 607341, HP:0032051.
Lymphangiomyomatosis (LAM). Also called: Lymphangioleiomyomatosis, somatic; Lymphangioleiomyomatosis. Identifiers: Orphanet 538, MedGen C0751674, MONDO:0011705, OMIM 606690.

Submissions (2):

Fulgent Genetics
Classification: Likely pathogenic for Tuberous sclerosis 1; Lymphangiomyomatosis; Isolated focal cortical dysplasia type II. Last evaluated: 2021-09-22. Review status: criteria provided, single submitter. Criteria: ACMG Guidelines, 2015. Collection method: clinical testing. Allele origin: unknown.

Labcorp Genetics (formerly Invitae), Labcorp
Classification: Pathogenic for Tuberous sclerosis 1. Last evaluated: 2021-01-15. Review status: criteria provided, single submitter. Criteria: Invitae Variant Classification Sherloc (09022015). Collection method: clinical testing. Allele origin: germline.
Comment: For these reasons, this variant has been classified as Pathogenic. This sequence change creates a premature translational stop signal (p.Ala283Profs*35) in the TSC1 gene. It is expected to result in an absent or disrupted protein product. Loss-of-function variants in TSC1 are known to be pathogenic (PMID: 10227394, 17304050). This variant is not present in population databases (ExAC no frequency). This variant has not been reported in the literature in individuals with TSC1-related conditions. ClinVar contains an entry for this variant (Variation ID: 956822).

Literature cited by the submitters: PubMed 10227394 (cited by Labcorp Genetics (formerly Invitae), Labcorp); PubMed 17304050 (cited by Labcorp Genetics (formerly Invitae), Labcorp).

NM_000368.5(TSC1):c.846del (p.Ala283fs)

Gene: TSC1 (TSC complex subunit 1; minus strand). Cytogenetic location: 9q34.13.
Variant type: Deletion.
Coding change: c.846del on transcript NM_000368.5 (MANE Select); coding-DNA position 846, one base deleted (A; older notation c.846delA).
Protein change: p.Ala283fs; shifts the reading frame from alanine 283.
Molecular consequence: frameshift variant.
Genome position (GRCh38, 1-based): chr9:132,912,349, T deleted on the plus strand (A on the coding strand, the reverse complement: TSC1 is on the minus strand). VCF-style (leftmost placement, unchanged base first): chr9-132912348-CT-C. GRCh37 (hg19) VCF-style: chr9-135787735-CT-C.
Other names: c.846del, p.Ala283fs (NM_001162426.2); c.693del, p.Ala232fs (NM_001162427.2); c.483del, p.Ala162fs (NM_001362177.2); short protein forms A162fs, A283fs, A232fs.
Identifiers: ClinVar variation 956822 (VCV000956822.9), dbSNP rs1846010451, ClinGen allele CA1139661295.